The following is an entry in ClinVar:

NM_006361.6(HOXB13):c.625G>C (p.Asp209His)

Gene: HOXB13 (homeobox B13; minus strand). Cytogenetic location: 17q21.32.
Variant type: single nucleotide variant.
Coding change: c.625G>C on transcript NM_006361.6 (MANE Select); coding-DNA position 625, G replaced by C.
Protein change: p.Asp209His; replaces aspartic acid 209 with histidine.
Molecular consequence: missense variant.
Genome position (GRCh38, 1-based): chr17:48,727,020, C>G on the plus strand (G>C on the coding strand, the complement: HOXB13 is on the minus strand). VCF-style: chr17-48727020-C-G. GRCh37 (hg19) VCF-style: chr17-46804382-C-G.
Other names: short protein forms D209H.
Identifiers: ClinVar variation 2832380 (VCV002832380.3), dbSNP rs1597932987, ClinGen allele CA400107028.
Genomic context (GRCh38, chr17:48,727,020, plus strand): 5'-GCAACTGCCCCTTGCTGTACGGAATGCGTTTCTTGCGGCCGCGACGAAAGGCGCAGGCGT[C>G]AGGAGGGTGCTGCCCGCTGGAGTCTGCGCGGCGTGAAAGGGAGGGAGGAAAAGGCATGGT-3'
Protein context (NP_006352.2, residues 199-219): FADSSGQHPP[Asp209His]ACAFRRGRKK

ClinVar aggregate classification (germline): Uncertain significance (1 of 4 stars; one submission).

Submission:

Labcorp Genetics (formerly Invitae), Labcorp
Classification: Uncertain significance. Last evaluated: 2024-02-06. Review status: criteria provided, single submitter. Criteria: Invitae Variant Classification Sherloc (09022015). Collection method: clinical testing. Allele origin: germline.
Comment: This sequence change replaces aspartic acid, which is acidic and polar, with histidine, which is basic and polar, at codon 209 of the HOXB13 protein (p.Asp209His). This variant is not present in population databases (gnomAD no frequency). This variant has not been reported in the literature in individuals affected with HOXB13-related conditions. Advanced modeling of protein sequence and biophysical properties (such as structural, functional, and spatial information, amino acid conservation, physicochemical variation, residue mobility, and thermodynamic stability) performed at Invitae indicates that this missense variant is not expected to disrupt HOXB13 protein function with a negative predictive value of 80%. In summary, the available evidence is currently insufficient to determine the role of this variant in disease. Therefore, it has been classified as a Variant of Uncertain Significance.